The following is an entry in ClinVar:

ClinVar aggregate classification (germline): Uncertain significance (1 of 4 stars; one submission).

Conditions:
Capillary infantile hemangioma. Also called: HEMANGIOMA, HEREDITARY CAPILLARY; Hemangioma, capillary infantile, somatic; Hereditary capillary infantile hemangioma. Identifiers: MedGen C1865871, MONDO:0011191, OMIM 602089.

Allele frequency attached by ClinVar (database versions not stated): gnomAD exomes below 0.00001; gnomAD 0.00001; TOPMed 0.00001.
gnomAD v4.1: 7 of 1,612,756 alleles (0.00043%); highest among the groups gnomAD compares: Non-Finnish European, 0.00051%; no homozygotes.

Submission:

Clinical Genomics Laboratory, Washington University in St. Louis
Classification: Uncertain significance for Capillary infantile hemangioma. Last evaluated: 2024-02-19. Review status: criteria provided, single submitter. Criteria: ACMG Guidelines, 2015. Collection method: clinical testing. Allele origin: germline.
Comment: A KDR c.1616G>A (p.Gly539Glu) variant was identified at a near heterozygous allele fraction of 49%, a frequency which may be consistent with it being of germline origin. This variant, to our knowledge, has not been reported in the medical literature. This variant is only observed on 7/1,612,756 alleles the general population (gnomAD v4.0.0), indicating it is not a common variant. Computational predictors suggest that this variant does not impact KDR function. Due to limited information, and based on ACMG/AMP guidelines for variant interpretation (Richards S et al., PMID: 25741868), the clinical significance of the KDR c.1616G>A (p.Gly539Glu) variant is uncertain at this time.

NM_002253.4(KDR):c.1616G>A (p.Gly539Glu)

Gene: KDR (kinase insert domain receptor; minus strand). Cytogenetic location: 4q12.
Variant type: single nucleotide variant.
Coding change: c.1616G>A on transcript NM_002253.4 (MANE Select); coding-DNA position 1616, G replaced by A.
Protein change: p.Gly539Glu; replaces glycine 539 with glutamic acid.
Molecular consequence: missense variant.
Genome position (GRCh38, 1-based): chr4:55,105,861, C>T on the plus strand (G>A on the coding strand, the complement: KDR is on the minus strand). VCF-style: chr4-55105861-C-T. GRCh37 (hg19) VCF-style: chr4-55972028-C-T.
Other names: short protein forms G539E.
Identifiers: ClinVar variation 3237450 (VCV003237450.1), dbSNP rs1487493814.